The following is an entry in ClinVar:

ClinVar aggregate classification (germline): Uncertain significance (1 of 4 stars; one submission).

Conditions:
Catecholaminergic polymorphic ventricular tachycardia 1. Also called: RYR2-Related Catecholaminergic Polymorphic Ventricular Tachycardia; VENTRICULAR TACHYCARDIA, STRESS-INDUCED POLYMORPHIC 1; VENTRICULAR TACHYCARDIA, CATECHOLAMINERGIC POLYMORPHIC, 1, WITH OR WITHOUT ATRIAL DYSFUNCTION AND/OR DILATED CARDIOMYOPATHY. Identifiers: Orphanet 3286, MedGen C1631597, MONDO:0011484, OMIM 604772.

Submission:

Labcorp Genetics (formerly Invitae), Labcorp
Classification: Uncertain significance for Catecholaminergic polymorphic ventricular tachycardia 1. Last evaluated: 2021-02-22. Review status: criteria provided, single submitter. Criteria: Invitae Variant Classification Sherloc (09022015). Collection method: clinical testing. Allele origin: germline.
Comment: In summary, the available evidence is currently insufficient to determine the role of this variant in disease. Therefore, it has been classified as a Variant of Uncertain Significance. Algorithms developed to predict the effect of sequence changes on RNA splicing suggest that this variant may disrupt the consensus splice site, but this prediction has not been confirmed by published transcriptional studies. This variant has not been reported in the literature in individuals with TRDN-related conditions. This variant is not present in population databases (ExAC no frequency). This sequence change creates a premature translational stop signal (p.Ala369Glnfs*21) in the TRDN gene. It is expected to result in an absent or disrupted protein product. However, the current clinical and genetic evidence is not sufficient to establish whether loss-of-function variants in TRDN cause disease.

NM_006073.4(TRDN):c.1105+1del

Gene: TRDN (triadin; minus strand). Cytogenetic location: 6q22.31.
Variant type: Deletion.
Coding change: c.1105+1del on transcript NM_006073.4 (MANE Select); the canonical splice donor site of the intron after coding-DNA position 1105, one base deleted (G; older notation c.1105+1delG).
Molecular consequence: splice donor variant.
Genome position (GRCh38, 1-based): chr6:123,393,623, C deleted on the plus strand (G on the coding strand, the reverse complement: TRDN is on the minus strand); the first of 2 consecutive C bases (chr6:123,393,623-123,393,624); deleting either gives the same sequence. VCF-style (leftmost placement, unchanged base first): chr6-123393622-AC-A. GRCh37 (hg19) VCF-style: chr6-123714767-AC-A.
Other names: c.1048+1del (NM_001407315.1); c.1108+1del (NM_001251987.2).
Identifiers: ClinVar variation 1510519 (VCV001510519.7), dbSNP rs1772598763, ClinGen allele CA1660405085.